The following is an entry in ClinVar:

ClinVar aggregate classification (germline): Likely benign. Review status: criteria provided, multiple submitters, no conflicts (2 of 4 stars). 3 submissions from 3 submitters: Likely benign (3). Last evaluated 2025-12-15.

Conditions:
Hyperuricemia, pulmonary hypertension, renal failure, alkalosis syndrome (HUPRAS). Also called: HYPERURICEMIA, PULMONARY HYPERTENSION, RENAL FAILURE, AND ALKALOSIS SYNDROME; HUPRA SYNDROME. Identifiers: Orphanet 363694, MedGen C3151209, MONDO:0013458, OMIM 613845.

Allele frequency attached by ClinVar (database versions not stated): gnomAD 0.00025; 1000 Genomes Project 30x 0.00047; 1000 Genomes Project 0.00060; ESP Exome Variant Server 0.00077.
gnomAD v4.1: 122 of 1,614,152 alleles (0.0076%); highest among the groups gnomAD compares: African/African-American, 0.15%; no homozygotes.

Submissions (3):

Labcorp Genetics (formerly Invitae), Labcorp
Classification: Likely benign. Last evaluated: 2025-12-15. Review status: criteria provided, single submitter. Criteria: Invitae Variant Classification Sherloc (09022015). Collection method: clinical testing. Allele origin: germline.

Fulgent Genetics
Classification: Likely benign for Hyperuricemia, pulmonary hypertension, renal failure, alkalosis syndrome. Last evaluated: 2021-10-11. Review status: criteria provided, single submitter. Criteria: ACMG Guidelines, 2015. Collection method: clinical testing. Allele origin: unknown.

GeneDx
Classification: Likely benign. Last evaluated: 2018-02-06. Review status: criteria provided, single submitter. Criteria: GeneDx Variant Classification (06012015). Collection method: clinical testing. Allele origin: germline. Affected: yes.
Comment: This variant is considered likely benign or benign based on one or more of the following criteria: it is a conservative change, it occurs at a poorly conserved position in the protein, it is predicted to be benign by multiple in silico algorithms, and/or has population frequency not consistent with disease.

NM_017827.4(SARS2):c.91A>C (p.Arg31=)

Genes: SARS2 (seryl-tRNA synthetase 2, mitochondrial; minus strand), LOC130064387 (ATAC-STARR-seq lymphoblastoid active region 14604; plus strand). Cytogenetic location: 19q13.2.
Variant type: single nucleotide variant.
Coding change: c.91A>C on transcript NM_017827.4 (MANE Select); coding-DNA position 91, A replaced by C.
Protein change: p.Arg31=; no amino-acid change (arginine 31 retained).
Molecular consequence: synonymous variant.
Genome position (GRCh38, 1-based): chr19:38,930,646, T>G on the plus strand (A>C on the coding strand, the complement: SARS2 is on the minus strand). VCF-style: chr19-38930646-T-G. GRCh37 (hg19) VCF-style: chr19-39421286-T-G.
Other names: c.91A>C, p.Arg31= (NM_001145901.2).
Identifiers: ClinVar variation 515449 (VCV000515449.7), dbSNP rs138274440, ClinGen allele CA9423350.